The following is an entry in ClinVar:

NM_183050.4(BCKDHB):c.1046G>A (p.Cys349Tyr)

Gene: BCKDHB (branched chain keto acid dehydrogenase E1 subunit beta; plus strand). Cytogenetic location: 6q14.1.
Variant type: single nucleotide variant.
Coding change: c.1046G>A on transcript NM_183050.4 (MANE Select); coding-DNA position 1046, G replaced by A.
Protein change: p.Cys349Tyr; replaces cysteine 349 with tyrosine.
Molecular consequence: missense variant. On other transcripts: non-coding transcript variant (1).
Genome position (GRCh38, 1-based): chr6:80,343,671, G>A. VCF-style: chr6-80343671-G-A. GRCh37 (hg19) VCF-style: chr6-81053388-G-A.
Other names: c.1046G>A (NM_183050.3); c.1046G>A, p.Cys349Tyr (NM_000056.5); c.836G>A, p.Cys279Tyr (NM_001318975.1); short protein forms C349Y, C279Y.
Identifiers: ClinVar variation 96564 (VCV000096564.19), dbSNP rs398124562, ClinGen allele CA224238.

ClinVar aggregate classification (germline): Pathogenic/Likely pathogenic. Review status: criteria provided, multiple submitters, no conflicts (2 of 4 stars). 6 submissions from 6 submitters: Pathogenic (3); Likely pathogenic (2). 1 of the submissions does not count toward it. Last evaluated 2025-01-13.

Conditions:
Maple syrup urine disease type 1A (MSUD1A). Also called: MSUD type 1A. Identifiers: MedGen C1855369, MONDO:0023691, OMIM 248600.
Maple syrup urine disease type 1B (MSUD1B). Also called: MSUD type IB; MSUD type 3 (formerly); MSUD due to deficiency of e1-beta subunit of branched-chain alpha-keto acid dehydrogenase complex. Identifiers: MedGen C2930990, MONDO:0023692, OMIM 620698.
Maple syrup urine disease (MSUD). Identifiers: Orphanet 511, MedGen C0024776, MeSH D008375, MONDO:0009563. Disease mechanism: loss of function.

Allele frequency attached by ClinVar (database versions not stated): gnomAD exomes below 0.00001; TOPMed below 0.00001.
gnomAD v4.1: 3 of 1,614,012 alleles (0.00019%); highest among the groups gnomAD compares: East Asian, 0.0022%; no homozygotes.

Submissions (6):

Natera, Inc.
Classification: Pathogenic for Maple syrup urine disease type 1B. Last evaluated: 2025-01-13. Review status: criteria provided, single submitter. Criteria: Natera Variant Classification Schema (03/2026). Collection method: clinical testing. Allele origin: germline.
Comment: The c.1046G>A variant in BCKDHB is a missense variant predicted to cause substitution of cysteine to tyrosine at amino acid 349. This variant is rare in the general population with a frequency below the threshold expected for the associated phenotype(s). This variant has been observed in one or more individuals affected with the associated recessive disease, as either homozygous or compound heterozygous with a second variant (PMID: 30349713, 37421976, 38837343). Computational prediction algorithms indicate this variant is likely to affect gene or protein function. Given the available evidence, this variant is classified as Pathogenic.

Baylor Genetics
Classification: Pathogenic for Maple syrup urine disease type 1A. Last evaluated: 2023-12-16. Review status: criteria provided, single submitter. Criteria: ACMG Guidelines, 2015. Collection method: clinical testing. Allele origin: unknown.

Labcorp Genetics (formerly Invitae), Labcorp
Classification: Pathogenic for Maple syrup urine disease. Last evaluated: 2022-10-24. Review status: criteria provided, single submitter. Criteria: Invitae Variant Classification Sherloc (09022015). Collection method: clinical testing. Allele origin: germline.
Comment: For these reasons, this variant has been classified as Pathogenic. Algorithms developed to predict the effect of missense changes on protein structure and function are either unavailable or do not agree on the potential impact of this missense change (SIFT: "Deleterious"; PolyPhen-2: "Probably Damaging"; Align-GVGD: "Class C0"). ClinVar contains an entry for this variant (Variation ID: 96564). This missense change has been observed in individual(s) with maple syrup urine disease (PMID: 22727569; Invitae). In at least one individual the data is consistent with being in trans (on the opposite chromosome) from a pathogenic variant. This variant is not present in population databases (gnomAD no frequency). This sequence change replaces cysteine, which is neutral and slightly polar, with tyrosine, which is neutral and polar, at codon 349 of the BCKDHB protein (p.Cys349Tyr).

Genome-Nilou Lab
Classification: Likely pathogenic for Maple syrup urine disease type 1A. Last evaluated: 2021-11-07. Review status: criteria provided, single submitter. Criteria: ACMG Guidelines, 2015. Collection method: clinical testing. Allele origin: germline. Affected: no.

Eurofins Ntd Llc (ga)
Classification: Likely pathogenic. Last evaluated: 2013-02-08. Review status: criteria provided, single submitter. Criteria: EGL Classification Definitions. Collection method: clinical testing. Allele origin: germline. Observed: 2 variant alleles, 2 heterozygotes.

Counsyl
Classification: Uncertain significance for Maple syrup urine disease type 1A. Last evaluated: 2018-04-19. Review status: no assertion criteria provided. Collection method: clinical testing. Allele origin: unknown. Not counted in ClinVar's aggregate classification.

Literature cited by the submitters: PubMed 30349713 (cited by Natera, Inc.); PubMed 37421976 (cited by Natera, Inc.); PubMed 38837343 (cited by Natera, Inc.); PubMed 22727569 (cited by Labcorp Genetics (formerly Invitae), Labcorp and Counsyl).